The following is an entry in ClinVar:

NM_006939.4(SOS2):c.3823T>C (p.Tyr1275His)

Gene: SOS2 (SOS Ras/Rho guanine nucleotide exchange factor 2; minus strand). Cytogenetic location: 14q21.3.
Variant type: single nucleotide variant.
Coding change: c.3823T>C on transcript NM_006939.4 (MANE Select); coding-DNA position 3823, T replaced by C.
Protein change: p.Tyr1275His; replaces tyrosine 1275 with histidine.
Molecular consequence: missense variant.
Genome position (GRCh38, 1-based): chr14:50,118,520, A>G on the plus strand (T>C on the coding strand, the complement: SOS2 is on the minus strand). VCF-style: chr14-50118520-A-G. GRCh37 (hg19) VCF-style: chr14-50585238-A-G.
Other names: c.3724T>C, p.Tyr1242His (NM_001411020.1); short protein forms Y1275H, Y1242H.
Identifiers: ClinVar variation 4770372 (VCV004770372.1).

ClinVar aggregate classification (germline): Uncertain significance (1 of 4 stars; one submission).

Conditions:
Noonan syndrome 9 (NS9). Identifiers: Orphanet 648, MedGen C4225282, MONDO:0014691, OMIM 616559.

Submission:

Labcorp Genetics (formerly Invitae), Labcorp
Classification: Uncertain significance for Noonan syndrome 9. Last evaluated: 2025-09-13. Review status: criteria provided, single submitter. Criteria: Invitae Variant Classification Sherloc (09022015). Collection method: clinical testing. Allele origin: germline.
Comment: This sequence change replaces tyrosine, which is neutral and polar, with histidine, which is basic and polar, at codon 1275 of the SOS2 protein (p.Tyr1275His). This variant is not present in population databases (gnomAD no frequency). This variant has not been reported in the literature in individuals affected with SOS2-related conditions. Invitae Evidence Modeling of protein sequence and biophysical properties (such as structural, functional, and spatial information, amino acid conservation, physicochemical variation, residue mobility, and thermodynamic stability) indicates that this missense variant is not expected to disrupt SOS2 protein function with a negative predictive value of 95%. In summary, the available evidence is currently insufficient to determine the role of this variant in disease. Therefore, it has been classified as a Variant of Uncertain Significance.